The following is an entry in ClinVar:

NM_138713.4(NFAT5):c.1529C>G (p.Ala510Gly)

Gene: NFAT5 (nuclear factor of activated T cells 5; plus strand). Cytogenetic location: 16q22.1.
Variant type: single nucleotide variant.
Coding change: c.1529C>G on transcript NM_138713.4 (MANE Select); coding-DNA position 1529, C replaced by G.
Protein change: p.Ala510Gly; replaces alanine 510 with glycine.
Molecular consequence: missense variant.
Genome position (GRCh38, 1-based): chr16:69,670,260, C>G. VCF-style: chr16-69670260-C-G. GRCh37 (hg19) VCF-style: chr16-69704163-C-G.
Other names: c.857C>G, p.Ala286Gly (NM_001367709.1); c.1475C>G, p.Ala492Gly (NM_006599.4); c.1247C>G, p.Ala416Gly (NM_138714.4, NM_173214.3, NM_173215.3); c.1529C>G, p.Ala510Gly (NM_001113178.3); short protein forms A492G, A286G, A416G, A510G.
Identifiers: ClinVar variation 4770894 (VCV004770894.1).
Genomic context (GRCh38, chr16:69,670,260, plus strand): 5'-TCAAAAATTTAATAAATCACTTTTTATTTCAATCAGATGAAAACTCTTGGAAGTCAGAAG[C>G]TGAAATTGATATGGAACTATTTCATCAGGTAAAATTTAAGCTTTTTTTATAATTTGGTTA-3'
Protein context (NP_619727.2, residues 500-520): VSDENSWKSE[Ala510Gly]EIDMELFHQN

ClinVar aggregate classification (germline): Uncertain significance (1 of 4 stars; one submission).

Conditions:
Immunodeficiency. Identifiers: MedGen C0021051, MONDO:0021094, HP:0002721.

Submission:

Labcorp Genetics (formerly Invitae), Labcorp
Classification: Uncertain significance for Immunodeficiency. Last evaluated: 2025-06-10. Review status: criteria provided, single submitter. Criteria: Invitae Variant Classification Sherloc (09022015). Collection method: clinical testing. Allele origin: germline.
Comment: This sequence change replaces alanine, which is neutral and non-polar, with glycine, which is neutral and non-polar, at codon 416 of the NFAT5 protein (p.Ala416Gly). This variant is not present in population databases (gnomAD no frequency). This variant has not been reported in the literature in individuals affected with NFAT5-related conditions. An algorithm developed to predict the effect of missense changes on protein structure and function (PolyPhen-2) suggests that this variant is likely to be disruptive. In summary, the available evidence is currently insufficient to determine the role of this variant in disease. Therefore, it has been classified as a Variant of Uncertain Significance.